The following is an entry in ClinVar:

ClinVar aggregate classification (germline): Uncertain significance (1 of 4 stars; one submission).

Conditions:
Oligodontia-cancer predisposition syndrome. Also called: TOOTH AGENESIS-COLORECTAL CANCER SYNDROME. Identifiers: Orphanet 300576, MedGen C1837750, MONDO:0012075, OMIM 608615. Disease mechanism: loss of function.

Submission:

Labcorp Genetics (formerly Invitae), Labcorp
Classification: Uncertain significance for Oligodontia-cancer predisposition syndrome. Last evaluated: 2025-07-23. Review status: criteria provided, single submitter. Criteria: Invitae Variant Classification Sherloc (09022015). Collection method: clinical testing. Allele origin: germline.
Comment: This sequence change replaces serine, which is neutral and polar, with glycine, which is neutral and non-polar, at codon 626 of the AXIN2 protein (p.Ser626Gly). This variant is not present in population databases (gnomAD no frequency). This variant has not been reported in the literature in individuals affected with AXIN2-related conditions. Invitae Evidence Modeling of protein sequence and biophysical properties (such as structural, functional, and spatial information, amino acid conservation, physicochemical variation, residue mobility, and thermodynamic stability) indicates that this missense variant is not expected to disrupt AXIN2 protein function with a negative predictive value of 80%. In summary, the available evidence is currently insufficient to determine the role of this variant in disease. Therefore, it has been classified as a Variant of Uncertain Significance.

NM_004655.4(AXIN2):c.1876A>G (p.Ser626Gly)

Gene: AXIN2 (axin 2; minus strand). Cytogenetic location: 17q24.1.
Variant type: single nucleotide variant.
Coding change: c.1876A>G on transcript NM_004655.4 (MANE Select); coding-DNA position 1876, A replaced by G.
Protein change: p.Ser626Gly; replaces serine 626 with glycine.
Molecular consequence: missense variant. On other transcripts: intron variant (1).
Genome position (GRCh38, 1-based): chr17:65,536,900, T>C on the plus strand (A>G on the coding strand, the complement: AXIN2 is on the minus strand). VCF-style: chr17-65536900-T-C. GRCh37 (hg19) VCF-style: chr17-63533018-T-C.
Other names: c.1713-347A>G (NM_001363813.1); short protein forms S626G.
Identifiers: ClinVar variation 4745470 (VCV004745470.1).
Genomic context (GRCh38, chr17:65,536,900, plus strand): 5'-CGGCCGCGGCGGCGGCAAGCGGTGTTTACCTATGGGGCTTGGGCTTGCTCTGCCGCTCAC[T>C]CTCCAGCATCCACTGCCAGACATCCTGCGACCTGTCTCCTTCCTCCCGGGGAAGCTGCAG-3'
Protein context (NP_004646.3, residues 616-636): SQDVWQWMLE[Ser626Gly]ERQSKPKPHS